The following is an entry in ClinVar:

NM_001267550.2(TTN):c.102290T>C (p.Leu34097Pro)

Genes: TTN-AS1 (TTN antisense RNA 1; plus strand), TTN (titin; minus strand). Cytogenetic location: 2q31.2.
Variant type: single nucleotide variant.
Coding change: c.102290T>C on transcript NM_001267550.2 (MANE Select); coding-DNA position 102290, T replaced by C.
Protein change: p.Leu34097Pro; replaces leucine 34097 with proline.
Molecular consequence: missense variant.
Genome position (GRCh38, 1-based): chr2:178,534,325, A>G on the plus strand (T>C on the coding strand, the complement: TTN is on the minus strand). VCF-style: chr2-178534325-A-G. GRCh37 (hg19) VCF-style: chr2-179399052-A-G.
Other names: c.97367T>C, p.Leu32456Pro (NM_001256850.1); c.75095T>C, p.Leu25032Pro (NM_003319.4); c.94586T>C, p.Leu31529Pro (NM_133378.4); c.75470T>C, p.Leu25157Pro (NM_133432.3); c.75671T>C, p.Leu25224Pro (NM_133437.4); short protein forms L25032P, L25157P, L34097P, L25224P, L31529P, L32456P.
Identifiers: ClinVar variation 4786700 (VCV004786700.1).

ClinVar aggregate classification (germline): Uncertain significance (1 of 4 stars; one submission).

Conditions:
Autosomal recessive limb-girdle muscular dystrophy type 2J (LGMDR10). Also called: Limb-girdle muscular dystrophy, type 2J; MUSCULAR DYSTROPHY, LIMB-GIRDLE, AUTOSOMAL RECESSIVE 10. Identifiers: Orphanet 140922, MedGen C1837342, MONDO:0012127, OMIM 608807.
Dilated cardiomyopathy 1G (CMD1G). Identifiers: Orphanet 154, MedGen C1858763, MONDO:0011400, OMIM 604145.

gnomAD v4.1: 5 of 1,613,378 alleles (0.00031%); highest among the groups gnomAD compares: Non-Finnish European, 0.00042%; no homozygotes.

Submission:

Labcorp Genetics (formerly Invitae), Labcorp
Classification: Uncertain significance for Dilated cardiomyopathy 1G; Autosomal recessive limb-girdle muscular dystrophy type 2J. Last evaluated: 2025-11-14. Review status: criteria provided, single submitter. Criteria: Invitae Variant Classification Sherloc (09022015). Collection method: clinical testing. Allele origin: germline.
Comment: This sequence change replaces leucine, which is neutral and non-polar, with proline, which is neutral and non-polar, at codon 34097 of the TTN protein (p.Leu34097Pro). This variant is present in population databases (no rsID available, gnomAD 0.002%). This variant has not been reported in the literature in individuals affected with TTN-related conditions. Experimental studies and prediction algorithms are not available or were not evaluated, and the functional significance of this variant is currently unknown. In summary, the available evidence is currently insufficient to determine the role of this variant in disease. Therefore, it has been classified as a Variant of Uncertain Significance.